The following is an entry in ClinVar:

NM_001031855.3(LONRF3):c.1060-2382C>T

Gene: LONRF3 (LON peptidase N-terminal domain and ring finger 3; plus strand). Cytogenetic location: Xq24.
Variant type: single nucleotide variant.
Coding change: c.1060-2382C>T on transcript NM_001031855.3 (MANE Select); 2382 bases into the intron before coding-DNA position 1060, C replaced by T.
Molecular consequence: intron variant. On other transcripts: synonymous variant (1).
Genome position (GRCh38, 1-based): chrX:118,987,026, C>T. VCF-style: chrX-118987026-C-T. GRCh37 (hg19) VCF-style: chrX-118120989-C-T.
Other names: c.237C>T, p.Asn79= (NM_001289109.1); c.937-2382C>T (NM_024778.5).
Identifiers: ClinVar variation 2661280 (VCV002661280.24), dbSNP rs752216279, ClinGen allele CA10500555.

ClinVar aggregate classification (germline): Likely benign (1 of 4 stars; one submission).

Allele frequency attached by ClinVar (database versions not stated): ExAC 0.00024; gnomAD 0.00069.
gnomAD v4.1: 1,167 of 1,150,909 alleles (0.1%); highest among the groups gnomAD compares: Non-Finnish European, 0.12%; 1 homozygote.

Submission:

CeGaT Center for Human Genetics Tuebingen
Classification: Likely benign. Last evaluated: 2022-10-01. Review status: criteria provided, single submitter. Criteria: CeGaT Center For Human Genetics Tuebingen Variant Classification Criteria Version 2. Collection method: clinical testing. Allele origin: germline. Affected: yes. Observed: 1 variant allele.
Comment: LONRF3: BP4, BP7